The following is an entry in ClinVar:

NM_020198.3(CCDC47):c.896T>C (p.Leu299Ser)

Gene: CCDC47 (coiled-coil domain containing 47; minus strand). Cytogenetic location: 17q23.3.
Variant type: single nucleotide variant.
Coding change: c.896T>C on transcript NM_020198.3 (MANE Select); coding-DNA position 896, T replaced by C.
Protein change: p.Leu299Ser; replaces leucine 299 with serine.
Molecular consequence: missense variant.
Genome position (GRCh38, 1-based): chr17:63,756,292, A>G on the plus strand (T>C on the coding strand, the complement: CCDC47 is on the minus strand). VCF-style: chr17-63756292-A-G. GRCh37 (hg19) VCF-style: chr17-61833652-A-G.
Other names: short protein forms L299S.
Identifiers: ClinVar variation 2628595 (VCV002628595.1), dbSNP rs2039206079, ClinGen allele CA400567845.

ClinVar aggregate classification (germline): Uncertain significance (1 of 4 stars; one submission).

Conditions:
CCDC47-related disorder. Also called: CCDC47-related condition.

Submission:

PreventionGenetics, part of Exact Sciences
Classification: Uncertain significance for CCDC47-related condition. Last evaluated: 2022-09-14. Review status: criteria provided, single submitter. Criteria: ACMG Guidelines, 2015. Collection method: clinical testing. Allele origin: germline.
Comment: The CCDC47 c.896T>C variant is predicted to result in the amino acid substitution p.Leu299Ser. To our knowledge, this variant has not been reported in the literature or in a large population database, indicating this variant is rare. At this time, the clinical significance of this variant is uncertain due to the absence of conclusive functional and genetic evidence.